The following is an entry in ClinVar:

NM_024876.4(COQ8B):c.368-1G>C

Gene: COQ8B (coenzyme Q8B; minus strand). Cytogenetic location: 19q13.2.
Variant type: single nucleotide variant.
Coding change: c.368-1G>C on transcript NM_024876.4 (MANE Select); the canonical splice acceptor site of the intron before coding-DNA position 368, G replaced by C.
Molecular consequence: splice acceptor variant. On other transcripts: intron variant (1).
Genome position (GRCh38, 1-based): chr19:40,705,448, C>G on the plus strand (G>C on the coding strand, the complement: COQ8B is on the minus strand). VCF-style: chr19-40705448-C-G. GRCh37 (hg19) VCF-style: chr19-41211353-C-G.
Other names: c.368-267G>C (NM_001142555.3).
Identifiers: ClinVar variation 2977223 (VCV002977223.4), dbSNP rs1201048143, ClinGen allele CA405965966.

ClinVar aggregate classification (germline): Likely pathogenic (1 of 4 stars; one submission).

gnomAD v4.1: 3 of 1,551,156 alleles (0.00019%); highest among the groups gnomAD compares: Non-Finnish European, 0.00017%; no homozygotes.

Submissions (2):

Labcorp Genetics (formerly Invitae), Labcorp
Classification: Likely pathogenic. Last evaluated: 2024-02-26. Review status: criteria provided, single submitter. Criteria: Invitae Variant Classification Sherloc (09022015). Collection method: clinical testing. Allele origin: germline.
Comment: This sequence change affects an acceptor splice site in intron 5 of the COQ8B gene. It is expected to disrupt RNA splicing. Variants that disrupt the donor or acceptor splice site typically lead to a loss of protein function (PMID: 16199547), and loss-of-function variants in COQ8B are known to be pathogenic (PMID: 24270420). This variant is present in population databases (no rsID available, gnomAD 0.002%). This variant has not been reported in the literature in individuals affected with COQ8B-related conditions. Algorithms developed to predict the effect of sequence changes on RNA splicing suggest that this variant may disrupt the consensus splice site. In summary, the currently available evidence indicates that the variant is pathogenic, but additional data are needed to prove that conclusively. Therefore, this variant has been classified as Likely Pathogenic.

Dr. Peter K. Rogan Lab, Western University
No classification provided (evidence only). Condition: Lung cancer. Review status: no classification provided. Collection method: in vitro. Allele origin: not applicable. Functional consequence: cryptic splice site. Not counted in ClinVar's aggregate classification.

Literature cited by the submitters: PubMed 16199547 (cited by Labcorp Genetics (formerly Invitae), Labcorp); PubMed 24270420 (cited by Labcorp Genetics (formerly Invitae), Labcorp).